The following is an entry in ClinVar:

NM_024675.4(PALB2):c.2104_2107delinsTAA (p.Ile702_Leu703delinsTer)

Gene: PALB2 (partner and localizer of BRCA2; minus strand). Cytogenetic location: 16p12.2.
Variant type: Indel.
Coding change: c.2104_2107delinsTAA on transcript NM_024675.4 (MANE Select); coding-DNA positions 2104 to 2107, ATAT replaced by TAA.
Protein change: p.Ile702_Leu703delinsTer.
Molecular consequence: nonsense. On other transcripts: intron variant (1).
Genome position (GRCh38, 1-based): chr16:23,630,047-23,630,050, ATAT replaced by TTA on the plus strand (ATAT replaced by TAA on the coding strand, the reverse complement: PALB2 is on the minus strand). VCF-style: chr16-23630047-ATAT-TTA. GRCh37 (hg19) VCF-style: chr16-23641368-ATAT-TTA.
Other names: c.2044_2047delinsTAA, p.Ile682_Leu683delinsTer (NM_001407296.1); c.2104_2107delinsTAA, p.Ile702_Leu703delinsTer (NM_001407297.1, NM_001407298.1, NM_001407299.1 and 3 more transcripts); c.1219_1222delinsTAA, p.Ile407_Leu408delinsTer (NM_001407304.1, NM_001407305.1, NM_001407306.1 and 5 more transcripts); c.316_319delinsTAA, p.Ile106_Leu107delinsTer (NM_001407312.1, NM_001407313.1); c.49-775_49-772delinsTAA (NM_001407314.1).
Identifiers: ClinVar variation 2674118 (VCV002674118.1), dbSNP rs2506422670, ClinGen allele CA2695197500.

ClinVar aggregate classification (germline): Pathogenic (1 of 4 stars; one submission).

Conditions:
Familial cancer of breast. Also called: Hereditary breast cancer; BREAST CANCER, FAMILIAL; hereditary breast carcinoma. Identifiers: Orphanet 227535, MedGen C0346153, MONDO:0016419, OMIM 114480. Disease mechanism: loss of function.

Submission:

Myriad Genetics, Inc.
Classification: Pathogenic for Familial cancer of breast. Last evaluated: 2023-09-12. Review status: criteria provided, single submitter. Criteria: Myriad Autosomal Dominant, Autosomal Recessive and X-Linked Classification Criteria (2023). Collection method: clinical testing. Allele origin: unknown.
Comment: This variant is considered pathogenic. This variant creates a termination codon and is predicted to result in premature protein truncation.